The following is an entry in ClinVar:

ClinVar aggregate classification (germline): Uncertain significance (1 of 4 stars; one submission).

Conditions:
Ehlers-Danlos syndrome, classic type, 1 (EDSCL1). Also called: EHLERS-DANLOS SYNDROME, GRAVIS TYPE; EHLERS-DANLOS SYNDROME, SEVERE CLASSIC TYPE; EDS I; Ehlers-Danlos Syndrome, Classic Type, COL5A1-Related; Ehlers-Danlos syndrome, type 1. Identifiers: MedGen C0268335, MONDO:0019567, OMIM 130000.

Allele frequency attached by ClinVar (database versions not stated): gnomAD exomes below 0.00001.
gnomAD v4.1: 1 of 1,613,754 alleles (0.000062%); highest among the groups gnomAD compares: Non-Finnish European, 0.000085%; no homozygotes.

Submission:

Labcorp Genetics (formerly Invitae), Labcorp
Classification: Uncertain significance for Ehlers-Danlos syndrome, classic type, 1. Last evaluated: 2020-07-21. Review status: criteria provided, single submitter. Criteria: Invitae Variant Classification Sherloc (09022015). Collection method: clinical testing. Allele origin: germline.
Comment: In summary, the available evidence is currently insufficient to determine the role of this variant in disease. Therefore, it has been classified as a Variant of Uncertain Significance. Advanced modeling of protein sequence and biophysical properties (such as structural, functional, and spatial information, amino acid conservation, physicochemical variation, residue mobility, and thermodynamic stability) performed at Invitae indicates that this missense variant is expected to disrupt COL5A1 protein function. This variant has not been reported in the literature in individuals with COL5A1-related conditions. This variant is not present in population databases (ExAC no frequency). This sequence change replaces glycine with serine at codon 1513 of the COL5A1 protein (p.Gly1513Ser). The glycine residue is highly conserved and there is a small physicochemical difference between glycine and serine. This variant disrupts the triple helix domain of COL5A1. Glycine residues within the Gly-Xaa-Yaa repeats of the triple helix domain are required for the structure and stability of fibrillar collagens (PMID: 7695699, 8218237, 19344236), and variants at these glycine residues in COL5A1 are more frequently observed in individuals with disease than in the general population (PMID: 22696272, 23587214). However, the clinical significance of this observation remains uncertain since only a limited number of affected individuals have been described to date.

Literature cited by the submitters: PubMed 7695699; PubMed 8218237; PubMed 19344236; PubMed 22696272; PubMed 23587214.

NM_000093.5(COL5A1):c.4537G>A (p.Gly1513Ser)

Genes: COL5A1 (collagen type V alpha 1 chain; plus strand), LOC101448202 (uncharacterized LOC101448202; minus strand). Cytogenetic location: 9q34.3.
Variant type: single nucleotide variant.
Coding change: c.4537G>A on transcript NM_000093.5 (MANE Select); coding-DNA position 4537, G replaced by A.
Protein change: p.Gly1513Ser; replaces glycine 1513 with serine.
Molecular consequence: missense variant. On other transcripts: non-coding transcript variant (1).
Genome position (GRCh38, 1-based): chr9:134,820,206, G>A. VCF-style: chr9-134820206-G-A. GRCh37 (hg19) VCF-style: chr9-137712052-G-A.
Other names: c.4537G>A, p.Gly1513Ser (NM_001278074.1); short protein forms G1513S.
Identifiers: ClinVar variation 1017389 (VCV001017389.10), dbSNP rs1489565447, ClinGen allele CA375457901.